The following is an entry in ClinVar:

NM_000070.3(CAPN3):c.1034C>G (p.Pro345Arg)

Gene: CAPN3 (calpain 3; plus strand). Cytogenetic location: 15q15.1.
Variant type: single nucleotide variant.
Coding change: c.1034C>G on transcript NM_000070.3 (MANE Select); coding-DNA position 1034, C replaced by G.
Protein change: p.Pro345Arg; replaces proline 345 with arginine.
Molecular consequence: missense variant.
Genome position (GRCh38, 1-based): chr15:42,394,260, C>G. VCF-style: chr15-42394260-C-G. GRCh37 (hg19) VCF-style: chr15-42686458-C-G.
Other names: c.1034C>G, p.Pro345Arg (NM_024344.2); c.890C>G, p.Pro297Arg (NM_173087.2); short protein forms P345R, P297R.
Identifiers: ClinVar variation 289247 (VCV000289247.14), dbSNP rs746311413, ClinGen allele CA10606387.
Genomic context (GRCh38, chr15:42,394,260, plus strand): 5'-AAGATTCCCTTTCCAGAGAGGCTGCAGAGCATGAGAGCTCTTTCTGTGTGCTTAAGGTCC[C>G]GTTCAAAGGTGAGAAAGTGAAGCTGGTGCGGCTGCGGAATCCGTGGGGCCAGGTGGAGTG-3'
Protein context (NP_000061.1, residues 335-355): AYSVTGLDEV[Pro345Arg]FKGEKVKLVR

ClinVar aggregate classification (germline): Uncertain significance. Review status: criteria provided, multiple submitters, no conflicts (2 of 4 stars). 3 submissions from 3 submitters: Uncertain significance (2). 1 of the submissions does not count toward it. Last evaluated 2021-04-09.

Conditions:
Autosomal recessive limb-girdle muscular dystrophy type 2A (LGMDR1). Also called: Calpainopathy; MUSCULAR DYSTROPHY, PELVOFEMORAL; Limb-girdle muscular dystrophy, type 2A; Muscular dystrophy, limb-girdle, type 2A, Amish; LEYDEN-MOEBIUS MUSCULAR DYSTROPHY. Identifiers: Orphanet 267, MedGen C1869123, MONDO:0009675, OMIM 253600. Disease mechanism: loss of function.

Allele frequency attached by ClinVar (database versions not stated): gnomAD 0.00001; TOPMed 0.00001.
gnomAD v4.1: 1 of 1,556,574 alleles (0.000064%); highest among the groups gnomAD compares: Non-Finnish European, 0.000087%; no homozygotes.

Submissions (3):

Labcorp Genetics (formerly Invitae), Labcorp
Classification: Uncertain significance for Autosomal recessive limb-girdle muscular dystrophy type 2A. Last evaluated: 2021-04-09. Review status: criteria provided, single submitter. Criteria: Invitae Variant Classification Sherloc (09022015). Collection method: clinical testing. Allele origin: germline.
Comment: In summary, the available evidence is currently insufficient to determine the role of this variant in disease. Therefore, it has been classified as a Variant of Uncertain Significance. Algorithms developed to predict the effect of missense changes on protein structure and function (SIFT, PolyPhen-2, Align-GVGD) all suggest that this variant is likely to be tolerated, but these predictions have not been confirmed by published functional studies and their clinical significance is uncertain. This variant has been observed in individual(s) referred for clinical testing for limb-girdle muscular dystrophy (PMID: 30564623). ClinVar contains an entry for this variant (Variation ID: 289247). This variant is not present in population databases (ExAC no frequency). This sequence change replaces proline with arginine at codon 345 of the CAPN3 protein (p.Pro345Arg). The proline residue is weakly conserved and there is a moderate physicochemical difference between proline and arginine.

Eurofins Ntd Llc (ga)
Classification: Uncertain significance. Last evaluated: 2016-07-11. Review status: criteria provided, single submitter. Criteria: EGL Classification Definitions 2015. Collection method: clinical testing. Allele origin: germline. Observed: 1 variant allele, 1 heterozygote.

Natera, Inc.
Classification: Uncertain significance for Limb-girdle muscular dystrophy type 2A. Last evaluated: 2020-12-03. Review status: no assertion criteria provided. Collection method: clinical testing. Allele origin: germline. Not counted in ClinVar's aggregate classification.

Literature cited by the submitters: PubMed 30564623 (cited by Labcorp Genetics (formerly Invitae), Labcorp).